The following is an entry in ClinVar:

NM_178859.4(SLC51B):c.329T>C (p.Leu110Ser)

Genes: RASL12 (RAS like family 12; minus strand), SLC51B (SLC51 subunit beta; plus strand). Cytogenetic location: 15q22.31.
Variant type: single nucleotide variant.
Coding change: c.329T>C on transcript NM_178859.4 (MANE Select); coding-DNA position 329, T replaced by C.
Protein change: p.Leu110Ser; replaces leucine 110 with serine.
Molecular consequence: missense variant.
Genome position (GRCh38, 1-based): chr15:65,053,106, T>C. VCF-style: chr15-65053106-T-C. GRCh37 (hg19) VCF-style: chr15-65345444-T-C.
Other names: c.329T>C (NM_178859.3); short protein forms L110S.
Identifiers: ClinVar variation 2072926 (VCV002072926.6), dbSNP rs142436732, ClinGen allele CA7613526.

ClinVar aggregate classification (germline): Uncertain significance. Review status: criteria provided, single submitter (1 of 4 stars). 2 submissions from 2 submitters: Uncertain significance (1). 1 of the submissions does not count toward it. Last evaluated 2025-12-28.

Conditions:
SLC51B-related disorder. Also called: SLC51B-related condition.

Allele frequency attached by ClinVar (database versions not stated): gnomAD 0.00015; ExAC 0.00020; TOPMed 0.00021; gnomAD exomes 0.00028; ESP Exome Variant Server 0.00038.
gnomAD v4.1: 427 of 1,613,982 alleles (0.026%); highest among the groups gnomAD compares: Non-Finnish European, 0.034%; no homozygotes.

Submissions (2):

Labcorp Genetics (formerly Invitae), Labcorp
Classification: Uncertain significance. Last evaluated: 2025-12-28. Review status: criteria provided, single submitter. Criteria: Invitae Variant Classification Sherloc (09022015). Collection method: clinical testing. Allele origin: germline.
Comment: This sequence change replaces leucine, which is neutral and non-polar, with serine, which is neutral and polar, at codon 110 of the SLC51B protein (p.Leu110Ser). This variant is present in population databases (rs142436732, gnomAD 0.04%). This variant has not been reported in the literature in individuals affected with SLC51B-related conditions. ClinVar contains an entry for this variant (Variation ID: 2072926). An algorithm developed to predict the effect of missense changes on protein structure and function (PolyPhen-2) suggests that this variant is likely to be disruptive. In summary, the available evidence is currently insufficient to determine the role of this variant in disease. Therefore, it has been classified as a Variant of Uncertain Significance.

PreventionGenetics, part of Exact Sciences
Classification: Uncertain significance for SLC51B-related condition. Last evaluated: 2024-05-31. Review status: no assertion criteria provided. Collection method: clinical testing. Allele origin: germline. Not counted in ClinVar's aggregate classification.
Comment: The SLC51B c.329T>C variant is predicted to result in the amino acid substitution p.Leu110Ser. To our knowledge, this variant has not been reported in the literature. This variant is reported in 0.039% of alleles in individuals of European (Non-Finnish) descent in gnomAD. At this time, the clinical significance of this variant is uncertain due to the absence of conclusive functional and genetic evidence.